The following is an entry in ClinVar:

ClinVar aggregate classification (germline): Pathogenic/Likely pathogenic. Review status: criteria provided, multiple submitters, no conflicts (2 of 4 stars). 3 submissions from 3 submitters: Pathogenic (1); Likely pathogenic (1). 1 of the submissions does not count toward it. Last evaluated 2023-08-07.

Conditions:
NR2E3-related disorder. Also called: NR2E3-related disorders; NR2E3-related condition. Identifiers: MedGen CN239387.
Enhanced S-cone syndrome (ESCS). Identifiers: Orphanet 53540, MedGen C1849394, MONDO:0100288, MONDO:0009989.

Submissions (3):

Labcorp Genetics (formerly Invitae), Labcorp
Classification: Pathogenic. Last evaluated: 2023-08-07. Review status: criteria provided, single submitter. Criteria: Invitae Variant Classification Sherloc (09022015). Collection method: clinical testing. Allele origin: germline.
Comment: For these reasons, this variant has been classified as Pathogenic. ClinVar contains an entry for this variant (Variation ID: 849239). This premature translational stop signal has been observed in individual(s) with clumped pigmentary retinal degeneration (PMID: 12963616). This variant is not present in population databases (gnomAD no frequency). This sequence change creates a premature translational stop signal (p.Pro276Argfs*59) in the NR2E3 gene. It is expected to result in an absent or disrupted protein product. Loss-of-function variants in NR2E3 are known to be pathogenic (PMID: 15459973, 27522502).

Blueprint Genetics
Classification: Likely pathogenic for NR2E3-related disorders. Last evaluated: 2020-02-28. Review status: criteria provided, single submitter. Criteria: ACMG Guidelines, 2015. Collection method: clinical testing. Allele origin: germline. Affected: yes. Observed: 1 variant allele.

Natera, Inc.
Classification: Pathogenic for Enhanced S cone syndrome. Last evaluated: 2021-06-04. Review status: no assertion criteria provided. Collection method: clinical testing. Allele origin: germline. Not counted in ClinVar's aggregate classification.

Literature cited by the submitters: PubMed 12963616 (cited by Labcorp Genetics (formerly Invitae), Labcorp); PubMed 15459973 (cited by Labcorp Genetics (formerly Invitae), Labcorp); PubMed 27522502 (cited by Labcorp Genetics (formerly Invitae), Labcorp).

NM_014249.4(NR2E3):c.827_843del (p.Pro276fs)

Gene: NR2E3 (nuclear receptor subfamily 2 group E member 3; plus strand). Cytogenetic location: 15q23.
Variant type: Deletion.
Coding change: c.827_843del on transcript NM_014249.4 (MANE Select); coding-DNA positions 827 to 843, 17 bases deleted (CTCTGCTGGCACCGCCC).
Protein change: p.Pro276fs; shifts the reading frame from proline 276.
Molecular consequence: frameshift variant.
Genome position (GRCh38, 1-based): chr15:71,813,468-71,813,484, CTCTGCTGGCACCGCCC deleted; deleting any 17 consecutive bases within chr15:71,813,467-71,813,484 gives the same sequence; the c. name uses the placement nearest the transcript's 3' end. VCF-style (leftmost placement, unchanged base first): chr15-71813466-TCCTCTGCTGGCACCGCC-T. GRCh37 (hg19) VCF-style: chr15-72105806-TCCTCTGCTGGCACCGCC-T.
Other names: c.827_843del, p.Pro276fs (NM_016346.4); short protein forms P276fs.
Identifiers: ClinVar variation 849239 (VCV000849239.12), dbSNP rs1279558746, ClinGen allele CA715430921.